The following is an entry in ClinVar:

ClinVar aggregate classification (germline): Likely pathogenic (1 of 4 stars; one submission).

Submission:

Labcorp Genetics (formerly Invitae), Labcorp
Classification: Likely pathogenic. Last evaluated: 2025-04-14. Review status: criteria provided, single submitter. Criteria: Invitae Variant Classification Sherloc (09022015). Collection method: clinical testing. Allele origin: germline.
Comment: This sequence change replaces glycine, which is neutral and non-polar, with alanine, which is neutral and non-polar, at codon 855 of the COL2A1 protein (p.Gly855Ala). This variant is not present in population databases (gnomAD no frequency). This variant has not been reported in the literature in individuals affected with COL2A1-related conditions. ClinVar contains an entry for this variant (Variation ID: 1501406). Invitae Evidence Modeling of protein sequence and biophysical properties (such as structural, functional, and spatial information, amino acid conservation, physicochemical variation, residue mobility, and thermodynamic stability) indicates that this missense variant is expected to disrupt COL2A1 protein function with a positive predictive value of 95%. This variant disrupts the triple helix domain of COL2A1. Glycine residues within the Gly-Xaa-Yaa repeats of the triple helix domain are required for the structure and stability of fibrillar collagens (PMID: 7695699, 8218237, 19344236). In COL2A1, variants affecting these glycine residues are significantly enriched in individuals with disease (PMID: 9016532, 17078022) compared to the general population (ExAC). In summary, the currently available evidence indicates that the variant is pathogenic, but additional data are needed to prove that conclusively. Therefore, this variant has been classified as Likely Pathogenic.

Literature cited by the submitters: PubMed 7695699; PubMed 8218237; PubMed 19344236; PubMed 9016532; PubMed 17078022.

NM_001844.5(COL2A1):c.2564G>C (p.Gly855Ala)

Gene: COL2A1 (collagen type II alpha 1 chain; minus strand). Cytogenetic location: 12q13.11.
Variant type: single nucleotide variant.
Coding change: c.2564G>C on transcript NM_001844.5 (MANE Select); coding-DNA position 2564, G replaced by C.
Protein change: p.Gly855Ala; replaces glycine 855 with alanine.
Molecular consequence: missense variant.
Genome position (GRCh38, 1-based): chr12:47,980,615, C>G on the plus strand (G>C on the coding strand, the complement: COL2A1 is on the minus strand). VCF-style: chr12-47980615-C-G. GRCh37 (hg19) VCF-style: chr12-48374398-C-G.
Other names: c.2357G>C, p.Gly786Ala (NM_033150.3); short protein forms G786A, G855A.
Identifiers: ClinVar variation 1501406 (VCV001501406.8), dbSNP rs2136537795, ClinGen allele CA384544460.
Genomic context (GRCh38, chr12:47,980,615, plus strand): 5'-TGAGGCCCAGGTGCTCCAGAGGGGCCCTGAGGACCAGGGGCACCAGCATCGCCTTTCTGG[C>G]CGGCCTCTCCTTGCTCACCCTTGGCCCCAGGCTGGCCATCAGCACCCTATAATGGGAAGG-3'
Protein context (NP_001835.3, residues 845-865): PGAKGEQGEA[Gly855Ala]QKGDAGAPGP